The following is an entry in ClinVar:

NM_005321.3(H1-4):c.415A>G (p.Lys139Glu)

Gene: H1-4 (H1.4 linker histone, cluster member; plus strand). Cytogenetic location: 6p22.2.
Variant type: single nucleotide variant.
Coding change: c.415A>G on transcript NM_005321.3 (MANE Select); coding-DNA position 415, A replaced by G.
Protein change: p.Lys139Glu; replaces lysine 139 with glutamic acid.
Molecular consequence: missense variant.
Genome position (GRCh38, 1-based): chr6:26,156,805, A>G. VCF-style: chr6-26156805-A-G. GRCh37 (hg19) VCF-style: chr6-26157033-A-G.
Other names: short protein forms K139E.
Identifiers: ClinVar variation 931645 (VCV000931645.3), dbSNP rs1764193211, ClinGen allele CA363202136.

ClinVar aggregate classification (germline): Uncertain significance (1 of 4 stars; one submission).

Submission:

Centre for Mendelian Genomics, University Medical Centre Ljubljana
Classification: Uncertain significance. Last evaluated: 2019-11-12. Review status: criteria provided, single submitter. Criteria: ACMG Guidelines, 2015. Collection method: clinical testing. Allele origin: unknown. Affected: yes.
Comment: This variant was classified as: Uncertain significance. The available evidence on this variant's pathogenicity is insufficient or conflicting. The following ACMG criteria were applied in classifying this variant: PM2.